The following is an entry in ClinVar:

NM_001079855.2(GYG2):c.8-109C>T

Gene: GYG2 (glycogenin 2; plus strand). Cytogenetic location: Xp22.33.
Variant type: single nucleotide variant.
Coding change: c.8-109C>T on transcript NM_001079855.2 (MANE Select); 109 bases into the intron before coding-DNA position 8, C replaced by T.
Molecular consequence: intron variant.
Genome position (GRCh38, 1-based): chrX:2,843,104, C>T. VCF-style: chrX-2843104-C-T. GRCh37 (hg19) VCF-style: chrX-2761145-C-T.
Other names: c.100+14C>T (NM_003918.3, NM_001184703.2); c.8-109C>T (NM_001184702.2); c.-316-10876C>T (NM_001184704.2).
Identifiers: ClinVar variation 509549 (VCV000509549.1), dbSNP rs764256920, ClinGen allele CA10336976.

ClinVar aggregate classification (germline): Likely benign (1 of 4 stars; one submission).

Allele frequency attached by ClinVar (database versions not stated): gnomAD 0.00002 and 0.00005; TOPMed 0.00003; gnomAD exomes 0.00007 and 0.00011; 1000 Genomes Project 30x 0.00021; 1000 Genomes Project 0.00026; ExAC 0.00035.
gnomAD v4.1: 45 of 662,931 alleles (0.0068%); highest among the groups gnomAD compares: South Asian, 0.08%; no homozygotes.

Submission:

GeneDx
Classification: Likely benign. Last evaluated: 2017-05-22. Review status: criteria provided, single submitter. Criteria: GeneDx Variant Classification (06012015). Collection method: clinical testing. Allele origin: germline. Affected: yes.
Comment: This variant is considered likely benign or benign based on one or more of the following criteria: it is a conservative change, it occurs at a poorly conserved position in the protein, it is predicted to be benign by multiple in silico algorithms, and/or has population frequency not consistent with disease.